The following is an entry in ClinVar:

NM_144666.3(DNHD1):c.2394A>G (p.Gln798=)

Gene: DNHD1 (dynein heavy chain domain 1; plus strand). Cytogenetic location: 11p15.4.
Variant type: single nucleotide variant.
Coding change: c.2394A>G on transcript NM_144666.3 (MANE Select); coding-DNA position 2394, A replaced by G.
Protein change: p.Gln798=; no amino-acid change (glutamine 798 retained).
Molecular consequence: synonymous variant.
Genome position (GRCh38, 1-based): chr11:6,533,073, A>G. VCF-style: chr11-6533073-A-G. GRCh37 (hg19) VCF-style: chr11-6554303-A-G.
Identifiers: ClinVar variation 3048010 (VCV003048010.2), dbSNP rs185596759, ClinGen allele CA5855784.

ClinVar aggregate classification (germline): Benign (0 of 4 stars; one submission).

Conditions:
DNHD1-related disorder. Also called: DNHD1-related condition.

Allele frequency attached by ClinVar (database versions not stated): gnomAD exomes 0.00020; ExAC 0.00086; ESP Exome Variant Server 0.00175; gnomAD 0.00214; TOPMed 0.00259; 1000 Genomes Project 0.00300; 1000 Genomes Project 30x 0.00375.
gnomAD v4.1: 621 of 1,551,692 alleles (0.04%); highest among the groups gnomAD compares: African/African-American, 0.75%; 1 homozygote.

Submission:

PreventionGenetics, part of Exact Sciences
Classification: Benign for DNHD1-related condition. Last evaluated: 2019-12-23. Review status: no assertion criteria provided. Collection method: clinical testing. Allele origin: germline.
Comment: This variant is classified as benign based on ACMG/AMP sequence variant interpretation guidelines (Richards et al. 2015 PMID: 25741868, with internal and published modifications).